The following is an entry in ClinVar:

NM_001042492.3(NF1):c.3528A>T (p.Arg1176Ser)

Gene: NF1 (neurofibromin 1; plus strand). Cytogenetic location: 17q11.2.
Variant type: single nucleotide variant.
Coding change: c.3528A>T on transcript NM_001042492.3 (MANE Select); coding-DNA position 3528, A replaced by T.
Protein change: p.Arg1176Ser; replaces arginine 1176 with serine.
Molecular consequence: missense variant.
Genome position (GRCh38, 1-based): chr17:31,233,033, A>T. VCF-style: chr17-31233033-A-T. GRCh37 (hg19) VCF-style: chr17-29560051-A-T.
Other names: c.3528A>T, p.Arg1176Ser (NM_000267.4); short protein forms R1176S.
Identifiers: ClinVar variation 4018949 (VCV004018949.1).
Genomic context (GRCh38, chr17:31,233,033, plus strand): 5'-GTAAATTTGCATCTGTTTGTCCACATTAGGCTTAGGTTACCACAAGGATCTCCAGACAAG[A>T]GCTACATTTATGGAAGTTCTGACAAAAATCCTTCAACAAGGCACAGAATTTGACACACTT-3'
Protein context (NP_001035957.1, residues 1166-1186): GLGYHKDLQT[Arg1176Ser]ATFMEVLTKI

ClinVar aggregate classification (germline): Uncertain significance (1 of 4 stars; one submission).

Conditions:
Cardiovascular phenotype. Identifiers: MedGen CN230736.
Hereditary cancer-predisposing syndrome. Also called: Tumor predisposition; Hereditary neoplastic syndrome; Neoplastic Syndromes, Hereditary; Hereditary Cancer Syndrome. Identifiers: Orphanet 140162, MedGen C0027672, MeSH D009386, MONDO:0015356.

Submission:

Ambry Genetics
Classification: Uncertain significance for Cardiovascular phenotype; Hereditary cancer-predisposing syndrome. Last evaluated: 2025-04-06. Review status: criteria provided, single submitter. Criteria: Ambry Variant Classification Scheme 2023. Collection method: clinical testing. Allele origin: germline.
Comment: The p.R1176S variant (also known as c.3528A>T), located in coding exon 27 of the NF1 gene, results from an A to T substitution at nucleotide position 3528. The arginine at codon 1176 is replaced by serine, an amino acid with dissimilar properties. This amino acid position is conserved. In addition, this alteration is predicted to be deleterious by in silico analysis. Based on the available evidence, the clinical significance of this variant remains unclear.